The following is an entry in ClinVar:

ClinVar aggregate classification (germline): Uncertain significance. Review status: criteria provided, multiple submitters, no conflicts (2 of 4 stars). 3 submissions from 3 submitters: Uncertain significance (2). 1 of the submissions does not count toward it. Last evaluated 2025-06-09.

Conditions:
Cohen syndrome (COH1). Also called: Cutis verticis gyrata, retinitis pigmentosa, and sensorineural deafness; PEPPER SYNDROME. Identifiers: Orphanet 193, MedGen C0265223, MONDO:0008999, OMIM 216550.
Inborn genetic diseases. Identifiers: MedGen C0950123, MeSH D030342.
VPS13B-related disorder. Also called: VPS13B-related condition.

Allele frequency attached by ClinVar (database versions not stated): TOPMed below 0.00001; ExAC 0.00001; gnomAD 0.00001; gnomAD exomes 0.00001.
gnomAD v4.1: 9 of 1,614,008 alleles (0.00056%); highest among the groups gnomAD compares: Middle Eastern, 0.016%; no homozygotes.

Submissions (3):

Labcorp Genetics (formerly Invitae), Labcorp
Classification: Uncertain significance for Cohen syndrome. Last evaluated: 2025-06-09. Review status: criteria provided, single submitter. Criteria: Invitae Variant Classification Sherloc (09022015). Collection method: clinical testing. Allele origin: germline.
Comment: This sequence change replaces glutamic acid, which is acidic and polar, with aspartic acid, which is acidic and polar, at codon 2081 of the VPS13B protein (p.Glu2081Asp). This variant is present in population databases (rs751094528, gnomAD 0.002%). This variant has not been reported in the literature in individuals affected with VPS13B-related conditions. ClinVar contains an entry for this variant (Variation ID: 3188783). Invitae Evidence Modeling of protein sequence and biophysical properties (such as structural, functional, and spatial information, amino acid conservation, physicochemical variation, residue mobility, and thermodynamic stability) indicates that this missense variant is not expected to disrupt VPS13B protein function with a negative predictive value of 80%. In summary, the available evidence is currently insufficient to determine the role of this variant in disease. Therefore, it has been classified as a Variant of Uncertain Significance.

Ambry Genetics
Classification: Uncertain significance for Inborn genetic diseases. Last evaluated: 2024-01-03. Review status: criteria provided, single submitter. Criteria: Ambry Variant Classification Scheme 2023. Collection method: clinical testing. Allele origin: germline.

PreventionGenetics, part of Exact Sciences
Classification: Uncertain significance for VPS13B-related condition. Last evaluated: 2024-08-30. Review status: no assertion criteria provided. Collection method: clinical testing. Allele origin: germline. Not counted in ClinVar's aggregate classification.
Comment: The VPS13B c.6168G>C variant is predicted to result in the amino acid substitution p.Glu2056Asp. To our knowledge, this variant has not been reported in the literature. This variant is reported in 0.0023% of alleles in individuals of European (Non-Finnish) descent in gnomAD. At this time, the clinical significance of this variant is uncertain due to the absence of conclusive functional and genetic evidence.

NM_152564.5(VPS13B):c.6168G>C (p.Glu2056Asp)

Gene: VPS13B (vacuolar protein sorting 13 homolog B; plus strand). Cytogenetic location: 8q22.2.
Variant type: single nucleotide variant.
Coding change: c.6168G>C on transcript NM_152564.5 (MANE Select); coding-DNA position 6168, G replaced by C.
Protein change: p.Glu2056Asp; replaces glutamic acid 2056 with aspartic acid.
Molecular consequence: missense variant.
Genome position (GRCh38, 1-based): chr8:99,699,646, G>C. VCF-style: chr8-99699646-G-C. GRCh37 (hg19) VCF-style: chr8-100711874-G-C.
Other names: c.6243G>C, p.Glu2081Asp (NM_017890.5); short protein forms E2081D, E2056D.
Identifiers: ClinVar variation 3188783 (VCV003188783.3), dbSNP rs751094528, ClinGen allele CA4823952.